The following is an entry in ClinVar:

NM_013275.6(ANKRD11):c.7317C>T (p.Phe2439=)

Gene: ANKRD11 (ankyrin repeat domain 11; minus strand). Cytogenetic location: 16q24.3.
Variant type: single nucleotide variant.
Coding change: c.7317C>T on transcript NM_013275.6 (MANE Select); coding-DNA position 7317, C replaced by T.
Protein change: p.Phe2439=; no amino-acid change (phenylalanine 2439 retained).
Molecular consequence: synonymous variant.
Genome position (GRCh38, 1-based): chr16:89,279,225, G>A on the plus strand (C>T on the coding strand, the complement: ANKRD11 is on the minus strand). VCF-style: chr16-89279225-G-A. GRCh37 (hg19) VCF-style: chr16-89345633-G-A.
Other names: c.7317C>T, p.Phe2439= (NM_001256182.2, NM_001256183.2).
Identifiers: ClinVar variation 4823229 (VCV004823229.4).
Genomic context (GRCh38, chr16:89,279,225, plus strand): 5'-CGTGATACAGCACAGGATCTTGCGCTTCTCCTCGATCTTCTTCCTGATCTGCAGGTATTC[G>A]AAGTAGGGGTTGGCCCTGTCGCTGTGGTAGGGCTCGATGGCATCCAGCTTGATGGCGTCC-3'
Protein context (NP_037407.4, residues 2429-2449): PYHSDRANPY[Phe2439=]EYLQIRKKIE

ClinVar aggregate classification (germline): Likely benign (1 of 4 stars; one submission).

Submission:

CeGaT Center for Human Genetics Tuebingen
Classification: Likely benign. Last evaluated: 2026-01-01. Review status: criteria provided, single submitter. Criteria: CeGaT Center For Human Genetics Tuebingen Variant Classification Criteria Version 2. Collection method: clinical testing. Allele origin: germline. Affected: yes. Observed: 1 variant allele.
Comment: ANKRD11: PM2:Supporting, BP4, BP7